The following is an entry in ClinVar:

NM_001077365.2(POMT1):c.2123A>T (p.Glu708Val)

Gene: POMT1 (protein O-mannosyltransferase 1; plus strand). Cytogenetic location: 9q34.13.
Variant type: single nucleotide variant.
Coding change: c.2123A>T on transcript NM_001077365.2 (MANE Select); coding-DNA position 2123, A replaced by T.
Protein change: p.Glu708Val; replaces glutamic acid 708 with valine.
Molecular consequence: missense variant. On other transcripts: non-coding transcript variant (10).
Genome position (GRCh38, 1-based): chr9:131,523,051, A>T. VCF-style: chr9-131523051-A-T. GRCh37 (hg19) VCF-style: chr9-134398438-A-T.
Other names: c.1961A>T, p.Glu654Val (NM_001077366.2, NM_001353194.2); c.2123A>T, p.Glu708Val (NM_001136113.2); c.1772A>T, p.Glu591Val (NM_001136114.2, NM_001353195.2, NM_001374691.1 and 2 more transcripts); c.2189A>T, p.Glu730Val (NM_001353193.2, NM_007171.4); c.2033A>T, p.Glu678Val (NM_001353196.2); c.2027A>T, p.Glu676Val (NM_001353197.2, NM_001353198.2); c.1838A>T, p.Glu613Val (NM_001353199.2); c.1667A>T, p.Glu556Val (NM_001353200.2); and 3 more; short protein forms E678V, E708V, E676V, E556V, E591V, E654V, E613V, E730V.
Identifiers: ClinVar variation 640916 (VCV000640916.10), dbSNP rs975505270, ClinGen allele CA200798419.

ClinVar aggregate classification (germline): Uncertain significance (1 of 4 stars; one submission).

Conditions:
Muscular dystrophy-dystroglycanopathy (congenital with impaired intellectual development), type B, 1. Also called: Muscular dystrophy-dystroglycanopathy (congenital with intellectual disability), type B1; MUSCULAR DYSTROPHY, CONGENITAL, POMT1-RELATED. Identifiers: MedGen C5436962, MONDO:0013159, OMIM 613155.
Autosomal recessive limb-girdle muscular dystrophy type 2K. Also called: MUSCULAR DYSTROPHY-DYSTROGLYCANOPATHY (LIMB-GIRDLE), TYPE C, 1; MUSCULAR DYSTROPHY, LIMB-GIRDLE, TYPE 2K. Identifiers: Orphanet 86812, MedGen C1836373, MONDO:0012248, OMIM 609308.
Walker-Warburg congenital muscular dystrophy. Also called: Muscular dystrophy-dystroglycanopathy, type A; Walker-Warburg syndrome. Identifiers: Orphanet 899, MedGen C0265221, MONDO:0000171.

Allele frequency attached by ClinVar (database versions not stated): gnomAD exomes below 0.00001; gnomAD 0.00001; TOPMed 0.00002.
gnomAD v4.1: 3 of 1,611,466 alleles (0.00019%); highest among the groups gnomAD compares: Non-Finnish European, 0.00025%; no homozygotes.

Submission:

Labcorp Genetics (formerly Invitae), Labcorp
Classification: Uncertain significance for Muscular dystrophy-dystroglycanopathy (congenital with impaired intellectual development), type B, 1; Walker-Warburg congenital muscular dystrophy; Autosomal recessive limb-girdle muscular dystrophy type 2K. Last evaluated: 2024-02-05. Review status: criteria provided, single submitter. Criteria: Invitae Variant Classification Sherloc (09022015). Collection method: clinical testing. Allele origin: germline.
Comment: This sequence change replaces glutamic acid, which is acidic and polar, with valine, which is neutral and non-polar, at codon 730 of the POMT1 protein (p.Glu730Val). This variant is not present in population databases (gnomAD no frequency). This variant has not been reported in the literature in individuals affected with POMT1-related conditions. ClinVar contains an entry for this variant (Variation ID: 640916). Advanced modeling of protein sequence and biophysical properties (such as structural, functional, and spatial information, amino acid conservation, physicochemical variation, residue mobility, and thermodynamic stability) has been performed at Invitae for this missense variant, however the output from this modeling did not meet the statistical confidence thresholds required to predict the impact of this variant on POMT1 protein function. In summary, the available evidence is currently insufficient to determine the role of this variant in disease. Therefore, it has been classified as a Variant of Uncertain Significance.